The following is an entry in ClinVar:

NM_020937.4(FANCM):c.221G>C (p.Gly74Ala)

Gene: FANCM (FA complementation group M; plus strand). Cytogenetic location: 14q21.2.
Variant type: single nucleotide variant.
Coding change: c.221G>C on transcript NM_020937.4 (MANE Select); coding-DNA position 221, G replaced by C.
Protein change: p.Gly74Ala; replaces glycine 74 with alanine.
Molecular consequence: missense variant.
Genome position (GRCh38, 1-based): chr14:45,136,252, G>C. VCF-style: chr14-45136252-G-C. GRCh37 (hg19) VCF-style: chr14-45605455-G-C.
Other names: c.221G>C, p.Gly74Ala (NM_001308133.2, NM_001308134.2); short protein forms G74A.
Identifiers: ClinVar variation 959353 (VCV000959353.9), dbSNP rs1348903394, ClinGen allele CA389587455.

ClinVar aggregate classification (germline): Uncertain significance (1 of 4 stars; one submission).

Conditions:
Fanconi anemia (FA). Also called: Fanconi's anemia. Identifiers: Orphanet 84, MedGen C0015625, MeSH D005199, MONDO:0019391.

Submission:

Labcorp Genetics (formerly Invitae), Labcorp
Classification: Uncertain significance for Fanconi anemia. Last evaluated: 2019-09-14. Review status: criteria provided, single submitter. Criteria: Invitae Variant Classification Sherloc (09022015). Collection method: clinical testing. Allele origin: germline.
Comment: This sequence change replaces glycine with alanine at codon 74 of the FANCM protein (p.Gly74Ala). The glycine residue is moderately conserved and there is a small physicochemical difference between glycine and alanine. In summary, the available evidence is currently insufficient to determine the role of this variant in disease. Therefore, it has been classified as a Variant of Uncertain Significance. Algorithms developed to predict the effect of missense changes on protein structure and function are either unavailable or do not agree on the potential impact of this missense change (SIFT: "Tolerated"; PolyPhen-2: "Possibly Damaging"; Align-GVGD: "Class C0"). This variant has not been reported in the literature in individuals with FANCM-related conditions. This variant is not present in population databases (ExAC no frequency).